The following is an entry in ClinVar:

ClinVar aggregate classification (germline): Uncertain significance (1 of 4 stars; one submission).

Submission:

Labcorp Genetics (formerly Invitae), Labcorp
Classification: Uncertain significance. Last evaluated: 2024-03-16. Review status: criteria provided, single submitter. Criteria: Invitae Variant Classification Sherloc (09022015). Collection method: clinical testing. Allele origin: germline.
Comment: This sequence change replaces threonine, which is neutral and polar, with isoleucine, which is neutral and non-polar, at codon 158 of the RNF31 protein (p.Thr158Ile). This variant is not present in population databases (gnomAD no frequency). This variant has not been reported in the literature in individuals affected with RNF31-related conditions. An algorithm developed to predict the effect of missense changes on protein structure and function (PolyPhen-2) suggests that this variant is likely to be tolerated. In summary, the available evidence is currently insufficient to determine the role of this variant in disease. Therefore, it has been classified as a Variant of Uncertain Significance.

NM_017999.5(RNF31):c.473C>T (p.Thr158Ile)

Gene: RNF31 (ring finger protein 31; plus strand). Cytogenetic location: 14q12.
Variant type: single nucleotide variant.
Coding change: c.473C>T on transcript NM_017999.5 (MANE Select); coding-DNA position 473, C replaced by T.
Protein change: p.Thr158Ile; replaces threonine 158 with isoleucine.
Molecular consequence: missense variant. On other transcripts: 5 prime UTR variant (1).
Genome position (GRCh38, 1-based): chr14:24,148,391, C>T. VCF-style: chr14-24148391-C-T. GRCh37 (hg19) VCF-style: chr14-24617600-C-T.
Other names: c.-45C>T (NM_001310332.2); short protein forms T158I.
Identifiers: ClinVar variation 3623934 (VCV003623934.2).
Genomic context (GRCh38, chr14:24,148,391, plus strand): 5'-AGGAGGAGCCAGATGAGCACCAGGTTGCTACAGTCACACTGGAAGTACTGCTGCTTCGGA[C>T]AGAGCTCAGCCTGCTATTGCAGGTGAGATGCTCCTCTAGTCTTGATGGACTTATGCACCA-3'
Protein context (NP_060469.4, residues 148-168): TVTLEVLLLR[Thr158Ile]ELSLLLQNTH